The following is an entry in ClinVar:

NM_000057.4(BLM):c.417A>G (p.Leu139=)

Gene: BLM (BLM RecQ like helicase; plus strand). Cytogenetic location: 15q26.1.
Variant type: single nucleotide variant.
Coding change: c.417A>G on transcript NM_000057.4 (MANE Select); coding-DNA position 417, A replaced by G.
Protein change: p.Leu139=; no amino-acid change (leucine 139 retained).
Molecular consequence: synonymous variant. On other transcripts: 5 prime UTR variant (1).
Genome position (GRCh38, 1-based): chr15:90,749,685, A>G. VCF-style: chr15-90749685-A-G. GRCh37 (hg19) VCF-style: chr15-91292915-A-G.
Other names: c.417A>G, p.Leu139= (NM_001287246.2, NM_001287247.2); c.-875A>G (NM_001287248.2).
Identifiers: ClinVar variation 824650 (VCV000824650.33), dbSNP rs756759106, ClinGen allele CA7738290.
Genomic context (GRCh38, chr15:90,749,685, plus strand): 5'-ATGCACTACCCAAAACACACCAACTGTAAAGAAATCCCGGGATACTGCTCTCAAGAAATT[A>G]GAATTTAGTTCTTCACCAGATTCTTTAAGTACCATCAATGATTGGGATGATATGGATGAC-3'
Protein context (NP_000048.1, residues 129-149): KKSRDTALKK[Leu139=]EFSSSPDSLS

ClinVar aggregate classification (germline): Likely benign. Review status: criteria provided, multiple submitters, no conflicts (2 of 4 stars). 3 submissions from 3 submitters: Likely benign (3). Last evaluated 2025-12-15.

Conditions:
Hereditary cancer-predisposing syndrome. Also called: Tumor predisposition; Hereditary neoplastic syndrome; Neoplastic Syndromes, Hereditary; Hereditary Cancer Syndrome. Identifiers: Orphanet 140162, MedGen C0027672, MeSH D009386, MONDO:0015356.
Bloom syndrome (BLM). Also called: Bloom-Torre-Machacek syndrome. Identifiers: Orphanet 125, MedGen C0005859, MONDO:0008876, OMIM 210900.

Allele frequency attached by ClinVar (database versions not stated): gnomAD exomes below 0.00001; ExAC 0.00001; gnomAD 0.00001; TOPMed 0.00001.
gnomAD v4.1: 3 of 1,614,104 alleles (0.00019%); highest among the groups gnomAD compares: African/African-American, 0.0013%; no homozygotes.

Submissions (3):

Labcorp Genetics (formerly Invitae), Labcorp
Classification: Likely benign for Bloom syndrome. Last evaluated: 2025-12-15. Review status: criteria provided, single submitter. Criteria: Invitae Variant Classification Sherloc (09022015). Collection method: clinical testing. Allele origin: germline.

CeGaT Center for Human Genetics Tuebingen
Classification: Likely benign. Last evaluated: 2022-07-01. Review status: criteria provided, single submitter. Criteria: CeGaT Center For Human Genetics Tuebingen Variant Classification Criteria Version 2. Collection method: clinical testing. Allele origin: germline. Affected: yes. Observed: 1 variant allele.
Comment: BLM: BP4, BP7

Ambry Genetics
Classification: Likely benign for Hereditary cancer-predisposing syndrome. Last evaluated: 2019-06-06. Review status: criteria provided, single submitter. Criteria: Ambry Variant Classification Scheme 2023. Collection method: clinical testing. Allele origin: germline.